The following is an entry in ClinVar:

ClinVar aggregate classification (germline): not provided (0 of 4 stars; one submission).

Conditions:
Large for gestational age. Identifiers: MedGen C1848395, HP:0001520.

Submission:

Institute of Molecular and Cell Biology, University of Tartu
No classification provided. Condition: Large for gestational age. Review status: no classification provided. Collection method: case-control. Allele origin: unknown. Affected: yes. Study: Kasak2014.
Comment: The study aimed to determine the contribution of copy number variants in the genetic etiology of normal and complicated pregnancies. The samples represented (i) maternal blood DNA drawn from healthy pregnant women during 1st or 2nd trimester and (ii) maternal and paternal blood DNA drawn at term pregnancy cases representing normal and complicated gestations (severe preeclampsia, PE; gestational diabetes, GD; small-for-gestational age newborn, SGA; large-for-gestational age newborn, LGA). We performed CNV calling based on genome-wide genotyping dataset (Illumina HumanOmniExpress-24-v1 BeadChip) by applying three algorithms, QuantiSNP, GADA (Genome Alteration Detection Algorithm) and CNstream in parallel. The acquired CNV calls were merged with HD-CNV (Hotspot Detector for Copy Number Variants) program and only the CNVs predicted by at least two programs, were considered in subsequent analysis.

Literature cited by the submitters: PubMed 25666259.

Single allele

Gene: FAM20A (FAM20A golgi associated secretory pathway pseudokinase; minus strand). Cytogenetic location: 17q24.2.
Variant type: Deletion.
Identifiers: ClinVar variation 157402 (VCV000157402.2).